The following is an entry in ClinVar:

NM_014000.3(VCL):c.1058C>T (p.Ala353Val)

Gene: VCL (vinculin; plus strand). Cytogenetic location: 10q22.2.
Variant type: single nucleotide variant.
Coding change: c.1058C>T on transcript NM_014000.3 (MANE Select); coding-DNA position 1058, C replaced by T.
Protein change: p.Ala353Val; replaces alanine 353 with valine.
Molecular consequence: missense variant.
Genome position (GRCh38, 1-based): chr10:74,089,231, C>T. VCF-style: chr10-74089231-C-T. GRCh37 (hg19) VCF-style: chr10-75848989-C-T.
Other names: c.1058C>T, p.Ala353Val (NM_003373.4); short protein forms A353V.
Identifiers: ClinVar variation 936669 (VCV000936669.9), dbSNP rs1277485914, ClinGen allele CA377272358.

ClinVar aggregate classification (germline): Uncertain significance. Review status: criteria provided, multiple submitters, no conflicts (2 of 4 stars). 2 submissions from 2 submitters: Uncertain significance (2). Last evaluated 2021-06-15.

Conditions:
Dilated cardiomyopathy 1W (CMD1W). Identifiers: Orphanet 154, MedGen C1969639, MONDO:0012667, OMIM 611407.

Allele frequency attached by ClinVar (database versions not stated): gnomAD exomes below 0.00001; TOPMed below 0.00001; gnomAD 0.00001.

Submissions (2):

Blueprint Genetics
Classification: Uncertain significance. Last evaluated: 2021-06-15. Review status: criteria provided, single submitter. Criteria: ACMG Guidelines, 2015. Collection method: clinical testing. Allele origin: germline.

Labcorp Genetics (formerly Invitae), Labcorp
Classification: Uncertain significance for Dilated cardiomyopathy 1W. Last evaluated: 2019-05-14. Review status: criteria provided, single submitter. Criteria: Invitae Variant Classification Sherloc (09022015). Collection method: clinical testing. Allele origin: germline.
Comment: In summary, the available evidence is currently insufficient to determine the role of this variant in disease. Therefore, it has been classified as a Variant of Uncertain Significance. Algorithms developed to predict the effect of missense changes on protein structure and function are either unavailable or do not agree on the potential impact of this missense change (SIFT: "Deleterious"; PolyPhen-2: "Probably Damaging"; Align-GVGD: "Class C0"). This variant has not been reported in the literature in individuals with VCL-related conditions. This variant is not present in population databases (ExAC no frequency). This sequence change replaces alanine with valine at codon 353 of the VCL protein (p.Ala353Val). The alanine residue is moderately conserved and there is a small physicochemical difference between alanine and valine.